The following is an entry in ClinVar:

NM_024494.3(WNT2B):c.732T>C (p.Gly244=)

Gene: WNT2B (Wnt family member 2B; plus strand). Cytogenetic location: 1p13.2.
Variant type: single nucleotide variant.
Coding change: c.732T>C on transcript NM_024494.3 (MANE Select); coding-DNA position 732, T replaced by C.
Protein change: p.Gly244=; no amino-acid change (glycine 244 retained).
Molecular consequence: synonymous variant.
Genome position (GRCh38, 1-based): chr1:112,517,171, T>C. VCF-style: chr1-112517171-T-C. GRCh37 (hg19) VCF-style: chr1-113059793-T-C.
Other names: c.456T>C, p.Gly152= (NM_001291880.1); c.675T>C, p.Gly225= (NM_004185.4).
Identifiers: ClinVar variation 780255 (VCV000780255.12), dbSNP rs112638528, ClinGen allele CA1008347.

ClinVar aggregate classification (germline): Benign. Review status: criteria provided, multiple submitters, no conflicts (2 of 4 stars). 3 submissions from 3 submitters: Benign (2). 1 of the submissions does not count toward it. Last evaluated 2026-02-01.

Conditions:
WNT2B-related disorder. Also called: WNT2B-related condition.

Allele frequency attached by ClinVar (database versions not stated): gnomAD exomes 0.00192 and 0.00515; ExAC 0.00662; 1000 Genomes Project 0.01837; gnomAD 0.02030 and 0.02173; 1000 Genomes Project 30x 0.02046; TOPMed 0.02320; ESP Exome Variant Server 0.02376.
gnomAD v4.1: 6,031 of 1,614,078 alleles (0.37%); highest among the groups gnomAD compares: African/African-American, 6.8%; 182 homozygotes.

Submissions (3):

Labcorp Genetics (formerly Invitae), Labcorp
Classification: Benign. Last evaluated: 2026-02-01. Review status: criteria provided, single submitter. Criteria: Invitae Variant Classification Sherloc (09022015). Collection method: clinical testing. Allele origin: germline.

Breakthrough Genomics
Classification: Benign. Review status: criteria provided, single submitter. Criteria: ACMG Guidelines, 2015. Collection method: not provided. Allele origin: germline. Inheritance: Autosomal recessive inheritance. Affected: yes.

PreventionGenetics, part of Exact Sciences
Classification: Benign for WNT2B-related condition. Last evaluated: 2019-09-25. Review status: no assertion criteria provided. Collection method: clinical testing. Allele origin: germline. Not counted in ClinVar's aggregate classification.
Comment: This variant is classified as benign based on ACMG/AMP sequence variant interpretation guidelines (Richards et al. 2015 PMID: 25741868, with internal and published modifications).